The following is an entry in ClinVar:

ClinVar aggregate classification (germline): Likely pathogenic (1 of 4 stars; one submission).

Conditions:
Sideroblastic anemia 2. Also called: Anemia, sideroblastic, 2, pyridoxine-refractory. Identifiers: Orphanet 260305, MedGen C4225425, MONDO:0008785, OMIM 205950.

Submission:

Neuberg Centre For Genomic Medicine, NCGM
Classification: Likely pathogenic for Sideroblastic anemia 2. Last evaluated: 2023-05-20. Review status: criteria provided, single submitter. Criteria: ACMG Guidelines, 2015. Collection method: clinical testing. Allele origin: germline. Inheritance: Autosomal recessive inheritance. Affected: yes.
Comment: The observed frameshift variant c.803dup(p.Arg269ThrfsTer26) in SL25A38 gene has not been reported previously as a pathogenic variant nor as a benign variant, to our knowledge. The c.803dup variant is absent in gnomAD Exomes. This variant causes a frameshift starting with codon Arginine 269, changes this amino acid to Threonine residue, and creates a premature Stop codon at position 26 of the new reading frame, denoted p.Arg269ThrfsTer26. This variant is predicted to cause loss of normal protein function through protein truncation. Loss of function variants have been previously reported to be disease causing 9An W, et al., 2015). For these reasons, this variant has been classified as Likely Pathogenic.

NM_017875.4(SLC25A38):c.803dup (p.Arg269fs)

Gene: SLC25A38 (solute carrier family 25 member 38; plus strand). Cytogenetic location: 3p22.1.
Variant type: Duplication.
Coding change: c.803dup on transcript NM_017875.4 (MANE Select); coding-DNA position 803, one base duplicated (T; older notation c.803dupT).
Protein change: p.Arg269fs; shifts the reading frame from arginine 269.
Molecular consequence: frameshift variant.
Genome position (GRCh38, 1-based): chr3:39,396,408, T duplicated. VCF-style (leftmost placement, unchanged base first): chr3-39396407-C-CT. GRCh37 (hg19) VCF-style: chr3-39437898-C-CT.
Other names: c.636dup, p.Thr213fs (NM_001354798.2); short protein forms R269fs, T213fs.
Identifiers: ClinVar variation 3362259 (VCV003362259.3).